The following is an entry in ClinVar:

ClinVar aggregate classification (germline): Pathogenic. Review status: reviewed by expert panel (3 of 4 stars). 10 submissions from 10 submitters: Pathogenic (1). 9 of the submissions do not count toward it. Last evaluated 2026-01-23.

Conditions:
Neuromuscular disease caused by qualitative or quantitative defects of dysferlin. Also called: Dysferlinopathy; Qualitative or quantitative defects of dysferlin. Identifiers: Orphanet 207073, MedGen C2931687, MONDO:0016145.
Autosomal recessive limb-girdle muscular dystrophy. Identifiers: Orphanet 102015, MedGen C2931907, MONDO:0015152.
Miyoshi muscular dystrophy 1 (MMD1). Identifiers: Orphanet 45448, MedGen C4551973, MONDO:0024545, OMIM 254130.
Autosomal recessive limb-girdle muscular dystrophy type 2B (LGMDR2). Also called: Limb-Girdle Muscular Dystrophy Type 2B (LGMD2B); MUSCULAR DYSTROPHY, LIMB-GIRDLE, TYPE 3; Limb-girdle muscular dystrophy, type 2B; MUSCULAR DYSTROPHY, LIMB-GIRDLE, AUTOSOMAL RECESSIVE 2. Identifiers: Orphanet 268, MedGen C1850889, MONDO:0009676, OMIM 253601.

Allele frequency attached by ClinVar (database versions not stated): gnomAD exomes 0.00001.
gnomAD v4.1: 8 of 1,614,044 alleles (0.0005%); highest among the groups gnomAD compares: South Asian, 0.0033%; no homozygotes.

Submissions (10):

ClinGen Limb Girdle Muscular Dystrophy Variant Curation Expert Panel, ClinGen
Classification: Pathogenic for Autosomal recessive limb-girdle muscular dystrophy. Last evaluated: 2026-01-23. Review status: reviewed by expert panel. Criteria: ClinGen LGMD VCEP ACMG Specifications DYSF V2.0.0. Collection method: curation. Allele origin: germline. Inheritance: Autosomal recessive inheritance.
Comment: The NM_003494.4: c.3118C>T variant in DYSF, which is also known as NM_001130987.2: c.3172C>T p.(Arg1058Trp), is a missense variant predicted to cause substitution of arginine by tryptophan at amino acid 1040, p.(Arg1040Trp). This variant has been reported in at least five individuals from four families with features overlapping LGMD (PMID: 27602406, 30564623, 30919934, 32400077), including in unknown phase with a second pathogenic variant in one individual (NM_003494.4: c.5979dup p.(Glu1994ArgfsTer3), 0.5 pts, PMID: 27602406; PM3_Supporting). At least one patient with this variant and another presumed diagnostic DYSF variant had clinical features of LGMD and absent dysferlin expression in muscle biopsy, which is highly specific for DYSF-related LGMD (PMID: 27602406; PP4_Strong). This variant has been observed to co-segregate with autosomal recessive LGMD in two affected family members (PMID: 30919934; PP1). The filtering allele frequency of this variant is 0.000085128 in gnomAD v4.1.0 (the upper threshold of the 95% CI of 3/91080 South Asian chromosomes), which is less than the ClinGen LGMD VCEP threshold for PM2_Supporting (<0.0001), meeting this criterion (PM2_Supporting). Immunofluorescence and 2-A assays of dysferlin membrane localization in HEK293T cells showed the Arg1040Trp protein did not reach the cell membrane, indicating an impact on protein function (PMID: 35028538) (PS3_Moderate). The computational predictor REVEL gives a score of 0.81, which is above the LGMD VCEP threshold of ≥0.70, evidence that correlates with impact to DYSF function (PP3). In summary, this variant meets the criteria to be classified as Pathogenic for autosomal recessive limb girdle muscular dystrophy based on the ACMG/AMP criteria applied, as specified by the ClinGen LGMD VCEP (specifications version 2.0.0; 01/23/2026): PM3_Supporting, PP4_Strong, PS3_Moderate, PP3, PM2_Supporting, PP1.

Natera, Inc.
Classification: Likely pathogenic for Limb-girdle muscular dystrophy type 2B. Last evaluated: 2026-01-17. Review status: criteria provided, single submitter. Criteria: Natera Variant Classification Schema (03/2026). Collection method: clinical testing. Allele origin: germline. Not counted in ClinVar's aggregate classification.
Comment: The c.3118C>T variant in DYSF is a missense variant predicted to cause substitution of arginine to tryptophan at amino acid 1040. This variant is rare in the general population with a frequency below the threshold expected for the associated phenotype(s). This variant has been observed in one or more individuals affected with the associated recessive disease, as either homozygous or compound heterozygous with a second variant (PMID: 34440373, 33715265, 30919934, 27066573). Additionally, this variant has been observed to segregate in affected family members (PMID: 30919934). Computational prediction algorithms indicate this variant is likely to affect gene or protein function. Given the available evidence, this variant is classified as Likely Pathogenic.

GeneDx
Classification: Pathogenic. Last evaluated: 2025-08-14. Review status: criteria provided, single submitter. Criteria: GeneDx Variant Classification Process June 2021. Collection method: clinical testing. Allele origin: germline. Affected: yes. Not counted in ClinVar's aggregate classification.
Comment: Not observed at significant frequency in large population cohorts (gnomAD); In silico analysis supports that this missense variant has a deleterious effect on protein structure/function; This variant is associated with the following publications: (PMID: 24438169, 33715265, 33610434, 34440373, 34559919, 27066573, 29792937, 23406536, 27602406, 30919934)

Mayo Clinic Laboratories, Mayo Clinic
Classification: Likely pathogenic. Last evaluated: 2025-07-30. Review status: criteria provided, single submitter. Criteria: ACMG Guidelines, 2015. Collection method: clinical testing. Allele origin: germline. Observed: 1 variant allele. Not counted in ClinVar's aggregate classification.
Comment: PP1, PP3_moderate, PM2_supporting, PM3_strong

Labcorp Genetics (formerly Invitae), Labcorp
Classification: Pathogenic for Neuromuscular disease caused by qualitative or quantitative defects of dysferlin. Last evaluated: 2025-04-23. Review status: criteria provided, single submitter. Criteria: Invitae Variant Classification Sherloc (09022015). Collection method: clinical testing. Allele origin: germline. Not counted in ClinVar's aggregate classification.
Comment: This sequence change replaces arginine, which is basic and polar, with tryptophan, which is neutral and slightly polar, at codon 1040 of the DYSF protein (p.Arg1040Trp). This variant is not present in population databases (gnomAD no frequency). This missense change has been observed in individual(s) with DYSF-related conditions (PMID: 23406536, 27066573, 30919934). In at least one individual the data is consistent with being in trans (on the opposite chromosome) from a pathogenic variant. ClinVar contains an entry for this variant (Variation ID: 498954). Invitae Evidence Modeling of protein sequence and biophysical properties (such as structural, functional, and spatial information, amino acid conservation, physicochemical variation, residue mobility, and thermodynamic stability) indicates that this missense variant is expected to disrupt DYSF protein function with a positive predictive value of 95%. For these reasons, this variant has been classified as Pathogenic.

Baylor Genetics
Classification: Pathogenic for Miyoshi muscular dystrophy 1. Last evaluated: 2024-03-29. Review status: criteria provided, single submitter. Criteria: ACMG Guidelines, 2015. Collection method: clinical testing. Allele origin: unknown. Not counted in ClinVar's aggregate classification.

Women's Health and Genetics/Laboratory Corporation of America, LabCorp
Classification: Likely pathogenic for Autosomal recessive limb-girdle muscular dystrophy. Last evaluated: 2022-06-01. Review status: criteria provided, single submitter. Criteria: LabCorp Variant Classification Summary - May 2015. Collection method: clinical testing. Allele origin: germline. Not counted in ClinVar's aggregate classification.
Comment: Variant summary: DYSF c.3118C>T (p.Arg1040Trp) results in a non-conservative amino acid change located in the Peroxin/Ferlin domain (IPR006614) of the encoded protein sequence. Five of five in-silico tools predict a damaging effect of the variant on protein function. The variant was absent in 250590 control chromosomes. c.3118C>T has been reported in the literature as a compound heterozygous genotype in individuals affected with Limb-Girdle Muscular Dystrophy, Autosomal Recessive (example, Walter_2013, Izumi_2015, Harris_2016, ten Dam_2019, Morales_2021). These data indicate that the variant is likely to be associated with disease. To our knowledge, no experimental evidence demonstrating an impact on protein function has been reported. Three clinical diagnostic laboratories have submitted clinical-significance assessments for this variant to ClinVar after 2014 without evidence for independent evaluation. All laboratories classified the variant as pathogenic/likely pathogenic. Based on the evidence outlined above, the variant was classified as likely pathogenic.

Revvity Omics, Revvity
Classification: Likely pathogenic. Last evaluated: 2022-03-10. Review status: criteria provided, single submitter. Criteria: ACMG Guidelines, 2015. Collection method: clinical testing. Allele origin: germline. Not counted in ClinVar's aggregate classification.

Eurofins Ntd Llc (ga)
Classification: Likely pathogenic. Last evaluated: 2016-12-10. Review status: criteria provided, single submitter. Criteria: EGL Classification Definitions 2015. Collection method: clinical testing. Allele origin: germline. Observed: 1 variant allele, 1 heterozygote. Not counted in ClinVar's aggregate classification.

Neuberg Centre For Genomic Medicine, NCGM
Classification: Likely pathogenic for Autosomal recessive limb-girdle muscular dystrophy type 2B. Review status: criteria provided, single submitter. Criteria: ACMG Guidelines, 2015. Collection method: clinical testing. Allele origin: germline. Inheritance: Autosomal recessive inheritance. Affected: yes. Not counted in ClinVar's aggregate classification.
Comment: The identified missense variant (c.3172C>T; p.Arg1058Trp) in DYSF gene has been previously reported as (p.Arg1040Trp) in the ClinVar databse. The variant has been previously reported in individuals affected with dysferlinopathy (Izumi R, 2020) and has been reported as Likely Pathogenic by the ClinVar database. In at least one individual affected with dysferlinopathy, the data is consistent with the variant being in trans (on the opposite chromosome) from a pathogenic variant. This sequence change replaces arginine with tryptophan at 1058 codon of the DYSF protein. There is a moderate physicochemical difference between arginine and tryptophan. The amino acid change p.Arg1058Trp in DYSF is predicted as conserved by GERP++ and PhyloP across 100 vertebrates. The variant is predicted to be damaging by both SIFT and PolyPhen2. The p.Arg1058Trp variant is novel (not in any individuals) in gnomAD database. For these reasons, this variant has been classified as Likely Pathogenic.

Literature cited by the submitters: PubMed 34440373 (cited by 3 submitters); PubMed 33715265 (cited by Natera, Inc. and Mayo Clinic Laboratories, Mayo Clinic); PubMed 30919934 (cited by 4 submitters); PubMed 27066573 (cited by 5 submitters); PubMed 23406536 (cited by 4 submitters); PubMed 27602406 (cited by Mayo Clinic Laboratories, Mayo Clinic and Women's Health and Genetics/Laboratory Corporation of America, LabCorp); PubMed 29792937 (cited by Mayo Clinic Laboratories, Mayo Clinic); PubMed 32400077 (cited by Mayo Clinic Laboratories, Mayo Clinic); PubMed 33610434 (cited by Mayo Clinic Laboratories, Mayo Clinic); PubMed 34559919 (cited by Mayo Clinic Laboratories, Mayo Clinic); PubMed 36580222 (cited by Mayo Clinic Laboratories, Mayo Clinic).

NM_001130987.2(DYSF):c.3172C>T (p.Arg1058Trp)

Gene: DYSF (dysferlin; plus strand). Cytogenetic location: 2p13.2.
Variant type: single nucleotide variant.
Coding change: c.3172C>T on transcript NM_001130987.2 (MANE Select); coding-DNA position 3172, C replaced by T.
Protein change: p.Arg1058Trp; replaces arginine 1058 with tryptophan.
Molecular consequence: missense variant.
Genome position (GRCh38, 1-based): chr2:71,570,685, C>T. VCF-style: chr2-71570685-C-T. GRCh37 (hg19) VCF-style: chr2-71797815-C-T.
Other names: p.Arg1040Trp; NM_001130987.2(DYSF):c.3172C>T; p.Arg1058Trp; c.3121C>T, p.Arg1041Trp (NM_001130455.2, NM_001130983.2); c.3076C>T, p.Arg1026Trp (NM_001130976.2, NM_001130977.2); c.3118C>T, p.Arg1040Trp (NM_001130978.2, NM_003494.4); c.3211C>T, p.Arg1071Trp (NM_001130979.2); c.3169C>T, p.Arg1057Trp (NM_001130980.2, NM_001130981.2); and 3 more; short protein forms R1040W, R1058W, R1026W, R1027W, R1057W, R1041W, R1071W, R1072W.
Identifiers: ClinVar variation 498954 (VCV000498954.22), dbSNP rs1553556116, ClinGen allele CA347217064.